The following is an entry in ClinVar:

NM_002524.5(NRAS):c.34G>C (p.Gly12Arg)

Gene: NRAS (NRAS proto-oncogene, GTPase; minus strand). Cytogenetic location: 1p13.2.
Variant type: single nucleotide variant.
Coding change: c.34G>C on transcript NM_002524.5 (MANE Select); coding-DNA position 34, G replaced by C.
Protein change: p.Gly12Arg; replaces glycine 12 with arginine.
Molecular consequence: missense variant.
Genome position (GRCh38, 1-based): chr1:114,716,127, C>G on the plus strand (G>C on the coding strand, the complement: NRAS is on the minus strand). VCF-style: chr1-114716127-C-G. GRCh37 (hg19) VCF-style: chr1-115258748-C-G.
Other names: p.G12R:GGT>CGT; c.34G>C (LRG_92t1); short protein forms G12R.
Identifiers: ClinVar variation 40469 (VCV000040469.12), dbSNP rs121913250, ClinGen allele CA297030.

ClinVar aggregate classification (germline): Pathogenic. Review status: criteria provided, multiple submitters, no conflicts (2 of 4 stars). 7 submissions from 6 submitters: Pathogenic (7). Last evaluated 2024-01-02.

Conditions:
NRAS-related disorder. Also called: NRAS-related condition.
Noonan syndrome 6 (NS6). Also called: NRAS-Related Noonan Syndrome. Identifiers: Orphanet 648, MedGen C2750732, MONDO:0013186, OMIM 613224.
Increased nuchal translucency. Identifiers: MedGen C4023676, HP:0010880.

Submissions (7):

GeneDx
Classification: Pathogenic. Last evaluated: 2024-01-02. Review status: criteria provided, single submitter. Criteria: GeneDx Variant Classification Process June 2021. Collection method: clinical testing. Allele origin: germline. Affected: yes.
Comment: Not observed at significant frequency in large population cohorts (gnomAD); In silico analysis supports that this missense variant has a deleterious effect on protein structure/function; Missense variants in this gene are a common cause of disease and they are underrepresented in the general population; This variant is associated with the following publications: (PMID: 31697451, 28594414)

Blueprint Genetics
Classification: Pathogenic for NRAS-related disorders. Last evaluated: 2023-05-30. Review status: criteria provided, single submitter. Criteria: ACMG Guidelines, 2015. Collection method: clinical testing. Allele origin: de novo. Affected: yes. Observed: 2 variant alleles.

Genesolutions, Medical Genetics Institutes, Ho Chi Minh City, Vietnam
Classification: Pathogenic for Noonan syndrome 6. Last evaluated: 2022-06-22. Review status: criteria provided, single submitter. Criteria: ACMG Guidelines, 2015. Collection method: clinical testing. Allele origin: de novo. Affected: yes. Observed: 1 variant allele.

3billion
Classification: Pathogenic for Noonan syndrome 6. Last evaluated: 2022-03-22. Review status: criteria provided, single submitter. Criteria: ACMG Guidelines, 2015. Collection method: clinical testing. Allele origin: germline. Affected: yes. Observed: 1 heterozygote.
Comment: Same nucleotide change resulting in same amino acid change has been previously reported as pathogenic/likely pathogenic with strong evidence (ClinVar ID: VCV000040469). The variant has been previously reported as assumed (i.e. paternity and maternity not confirmed) de novo in at least one similarly affected unrelated individual (PMID:28594414). Different missense change at the same codon have been reported as pathogenic/likely pathogenic with strong evidence (ClinVar ID: VCV000039648,VCV000040468,VCV000040470,VCV000177778, PMID:30417923,28594414,32888943,28594414,23334668). In silico tool predictions suggest damaging effect of the variant on gene or gene product (REVEL: 0.713>=0.6, 3CNET: 0.998>=0.75). A missense variant is a common mechanism. It is not observed in the gnomAD v2.1.1 dataset. Therefore, this variant is classified as pathogenic according to the recommendation of ACMG/AMP guideline.

Laboratorio de Genetica e Diagnostico Molecular, Hospital Israelita Albert Einstein
Classification: Pathogenic for Noonan syndrome 6. Last evaluated: 2021-11-27. Review status: criteria provided, single submitter. Criteria: ACMG Guidelines, 2015. Collection method: clinical testing. Allele origin: germline. Affected: yes.
Comment: ACMG classification criteria: PS4 supporting, PM1 moderate, PM2 moderate, PM6 strong, PP3 supporting

Equipe Genetique des Anomalies du Developpement, Université de Bourgogne
Classification: Pathogenic for Noonan syndrome 6. Last evaluated: 2021-02-08. Review status: criteria provided, single submitter. Criteria: ACMG Guidelines, 2015. Collection method: clinical testing. Allele origin: de novo. Affected: yes.

Equipe Genetique des Anomalies du Developpement, Université de Bourgogne
Classification: Pathogenic for Increased nuchal translucency. Review status: criteria provided, single submitter. Criteria: ACMG Guidelines, 2015. Collection method: clinical testing. Allele origin: de novo. Affected: yes.

Literature cited by the submitters: PubMed 28594414 (cited by 3billion); PubMed 23334668 (cited by 3billion); PubMed 30417923 (cited by 3billion); PubMed 32888943 (cited by 3billion).